The following is an entry in ClinVar:

ClinVar aggregate classification (germline): Uncertain significance (1 of 4 stars; one submission).

Conditions:
Inborn genetic diseases. Identifiers: MedGen C0950123, MeSH D030342.

Allele frequency attached by ClinVar (database versions not stated): TOPMed below 0.00001.

Submission:

Ambry Genetics
Classification: Uncertain significance for Inborn genetic diseases. Last evaluated: 2023-05-14. Review status: criteria provided, single submitter. Criteria: Ambry Variant Classification Scheme 2023. Collection method: clinical testing. Allele origin: germline.
Comment: The p.E303A variant (also known as c.908A>C), located in coding exon 8 of the ACD gene, results from an A to C substitution at nucleotide position 908. The glutamic acid at codon 303 is replaced by alanine, an amino acid with dissimilar properties. This amino acid position is conserved. In addition, this alteration is predicted to be tolerated by in silico analysis. Since supporting evidence is limited at this time, the clinical significance of this alteration remains unclear.

NM_001082486.2(ACD):c.650A>C (p.Glu217Ala)

Gene: ACD (ACD shelterin complex subunit and telomerase recruitment factor; minus strand). Cytogenetic location: 16q22.1.
Variant type: single nucleotide variant.
Coding change: c.650A>C on transcript NM_001082486.2 (MANE Select); coding-DNA position 650, A replaced by C.
Protein change: p.Glu217Ala; replaces glutamic acid 217 with alanine.
Molecular consequence: missense variant.
Genome position (GRCh38, 1-based): chr16:67,658,812, T>G on the plus strand (A>C on the coding strand, the complement: ACD is on the minus strand). VCF-style: chr16-67658812-T-G. GRCh37 (hg19) VCF-style: chr16-67692715-T-G.
Other names: c.650A>C, p.Glu217Ala (NM_001410884.1); c.641A>C, p.Glu214Ala (NM_022914.3); short protein forms E214A, E217A.
Identifiers: ClinVar variation 2566763 (VCV002566763.2), dbSNP rs2052932324, ClinGen allele CA396353760.